The following is an entry in ClinVar:

NM_000550.3(TYRP1):c.997_998del (p.Val333fs)

Genes: LURAP1L-AS1 (LURAP1L antisense RNA 1; minus strand), TYRP1 (tyrosinase related protein 1; plus strand). Cytogenetic location: 9p23.
Variant type: Deletion.
Coding change: c.997_998del on transcript NM_000550.3 (MANE Select); coding-DNA positions 997 to 998, 2 bases deleted (GT; older notation c.997_998delGT).
Protein change: p.Val333fs; shifts the reading frame from valine 333.
Molecular consequence: frameshift variant.
Genome position (GRCh38, 1-based): chr9:12,702,354-12,702,355, GT deleted; deleting any 2 consecutive bases within chr9:12,702,353-12,702,355 gives the same sequence; the c. name uses the placement nearest the transcript's 3' end. VCF-style (leftmost placement, unchanged base first): chr9-12702352-ATG-A. GRCh37 (hg19) VCF-style: chr9-12702352-ATG-A.
Other names: short protein forms V333fs.
Identifiers: ClinVar variation 2766098 (VCV002766098.3), dbSNP rs2537284977, ClinGen allele CA2579301310.

ClinVar aggregate classification (germline): Pathogenic (1 of 4 stars; one submission).

Submission:

Labcorp Genetics (formerly Invitae), Labcorp
Classification: Pathogenic. Last evaluated: 2023-10-14. Review status: criteria provided, single submitter. Criteria: Invitae Variant Classification Sherloc (09022015). Collection method: clinical testing. Allele origin: germline.
Comment: This sequence change creates a premature translational stop signal (p.Val333Argfs*10) in the TYRP1 gene. It is expected to result in an absent or disrupted protein product. Loss-of-function variants in TYRP1 are known to be pathogenic (PMID: 8651291, 9345097). This variant is not present in population databases (gnomAD no frequency). This variant has not been reported in the literature in individuals affected with TYRP1-related conditions. For these reasons, this variant has been classified as Pathogenic.

Literature cited by the submitters: PubMed 8651291; PubMed 9345097.